The following is an entry in ClinVar:

ClinVar aggregate classification (germline): Pathogenic. Review status: criteria provided, multiple submitters, no conflicts (2 of 4 stars). 2 submissions from 2 submitters: Pathogenic (2). Last evaluated 2025-04-08.

Conditions:
Noonan syndrome 1 (NS1). Also called: FEMALE PSEUDO-TURNER SYNDROME; TURNER PHENOTYPE WITH NORMAL KARYOTYPE; PTPN11-Related Noonan Syndrome. Identifiers: Orphanet 648, MedGen C4551602, MONDO:0008104, OMIM 163950. Disease mechanism: gain of function.

Submissions (2):

GeneDx
Classification: Pathogenic. Last evaluated: 2025-04-08. Review status: criteria provided, single submitter. Criteria: GeneDx Variant Classification Process June 2021. Collection method: clinical testing. Allele origin: germline. Affected: yes.
Comment: Not observed at significant frequency in large population cohorts (gnomAD); Missense variants in this gene are a common cause of disease and they are underrepresented in the general population; In silico analysis supports that this missense variant has a deleterious effect on protein structure/function; Has not been previously reported as a pathogenic or benign germline variant to our knowledge; This variant is associated with the following publications: (PMID: 11992261, 16053901, 29493581, 9491886, 31439678)

Victorian Clinical Genetics Services, Murdoch Childrens Research Institute
Classification: Pathogenic for Noonan syndrome 1. Last evaluated: 2023-07-17. Review status: criteria provided, single submitter. Criteria: ACMG Guidelines, 2015. Collection method: clinical testing. Allele origin: germline. Inheritance: Autosomal dominant inheritance. Affected: yes.
Comment: Based on the classification scheme VCGS_Germline_v1.3.4, this variant is classified as Pathogenic. Following criteria are met: 0103 - Both loss of function and gain of function are known mechanisms of disease for this gene. Metachondromatosis (MIM#156250) and Noonan syndrome with multiple lentigines have been associated with loss of function variants, whereas Noonan syndrome 1 (MIM#163950) is caused by gain of function variants (PMIDs: 11992261, 24935154, 21533187; ClinGen expert panel). (I) 0107 - This gene is associated with autosomal dominant disease. (I) 0115 - Variants in this gene are known to have variable expressivity (GeneReviews). (I) 0200 - Variant is predicted to result in a missense amino acid change from phenylalanine to valine. (I) 0251 - This variant is heterozygous. (I) 0301 - Variant is absent from gnomAD (both v2 and v3). (SP) 0309 - An alternative amino acid change at the same position has been observed in gnomAD (v2) (1 heterozygote, 0 homozygotes). (I) 0501 - Missense variant consistently predicted to be damaging by multiple in silico tools or highly conserved with a major amino acid change. (SP) 0602 - Variant is located in a hotspot region or cluster of pathogenic variants within the SH2 domain (DECIPHER). (SP) 0701 - Other missense variants comparable to the one identified in this case have very strong previous evidence for pathogenicity. These variants, p.(Phe71Ile) and p.(Phe71Leu), have been reported many times as pathogenic, and observed in individuals with Noonan syndrome, or with short stature and growth hormone deficiency (PMID: 15834506, PMID: 36714562). (SP) 0803 - This variant has limited previous evidence of pathogenicity in an unrelated individual. This variant has been reported once as pathogenic (ClinVar). (SP) 0905 - No published segregation evidence has been identified for this variant. (I) 1007 - No published functional evidence has been identified for this variant. (I) 1208 - Inheritance information for this variant is not currently available in this individual. (I) Legend: (SP) - Supporting pathogenic, (I) - Information, (SB) - Supporting benign

Literature cited by the submitters: PubMed 11992261 (cited by Victorian Clinical Genetics Services, Murdoch Childrens Research Institute); PubMed 15834506 (cited by Victorian Clinical Genetics Services, Murdoch Childrens Research Institute); PubMed 21533187 (cited by Victorian Clinical Genetics Services, Murdoch Childrens Research Institute); PubMed 24935154 (cited by Victorian Clinical Genetics Services, Murdoch Childrens Research Institute); PubMed 36714562 (cited by Victorian Clinical Genetics Services, Murdoch Childrens Research Institute).

NM_002834.5(PTPN11):c.211T>G (p.Phe71Val)

Gene: PTPN11 (protein tyrosine phosphatase non-receptor type 11; plus strand). Cytogenetic location: 12q24.13.
Variant type: single nucleotide variant.
Coding change: c.211T>G on transcript NM_002834.5 (MANE Select); coding-DNA position 211, T replaced by G.
Protein change: p.Phe71Val; replaces phenylalanine 71 with valine.
Molecular consequence: missense variant.
Genome position (GRCh38, 1-based): chr12:112,450,391, T>G. VCF-style: chr12-112450391-T-G. GRCh37 (hg19) VCF-style: chr12-112888195-T-G.
Other names: p.F71V:TTT>GTT; c.211T>G, p.Phe71Val (NM_001330437.2, NM_080601.3); c.208T>G, p.Phe70Val (NM_001374625.1); short protein forms F71V, F70V.
Identifiers: ClinVar variation 181495 (VCV000181495.4), dbSNP rs397507512, ClinGen allele CA297073.